The following is an entry in ClinVar:

ClinVar aggregate classification (germline): Likely benign. Review status: criteria provided, multiple submitters, no conflicts (2 of 4 stars). 3 submissions from 3 submitters: Likely benign (3). Last evaluated 2026-08-04.

Conditions:
Developmental and epileptic encephalopathy, 1 (DEE1). Also called: X-Linked Infantile Spasm Syndrome; X-linked infantile spasms; West's syndrome; Tonic spasms with clustering, arrest of psychomotor development and hypsarrhythmia on EEG; OHTAHARA SYNDROME, X-LINKED; Epileptic encephalopathy, early infantile, 1. Identifiers: MedGen C3463992, MONDO:0010632, OMIM 308350. Disease mechanism: loss of function.
Autosomal dominant nonsyndromic hearing loss 65. Also called: TBC1D24-Related Autosomal Dominant Nonsyndromic Hearing Loss (DFNA); Deafness, autosomal dominant 65. Identifiers: Orphanet 90635, MedGen C3892048, MONDO:0014470, OMIM 616044.
TBC1D24-related disorder. Also called: TBC1D24-related condition; TBC1D24-related disorders. Identifiers: MedGen CN381194.

gnomAD v4.1: 1 of 1,610,204 alleles (0.000062%); highest among the groups gnomAD compares: African/African-American, 0.0013%; no homozygotes.

Submissions (3):

PreventionGenetics, part of Exact Sciences
Classification: Likely benign for TBC1D24-related condition. Last evaluated: 2026-08-04. Review status: criteria provided, single submitter. Criteria: ACMG Guidelines, 2015. Collection method: clinical testing. Allele origin: germline.
Comment: This variant is classified as likely benign based on ACMG/AMP sequence variant interpretation guidelines (Richards et al. 2015 PMID: 25741868, with internal and published modifications).

Women's Health and Genetics/Laboratory Corporation of America, LabCorp
Classification: Likely benign. Last evaluated: 2026-02-17. Review status: criteria provided, single submitter. Criteria: LabCorp Variant Classification Summary - May 2015. Collection method: clinical testing. Allele origin: germline.

Labcorp Genetics (formerly Invitae), Labcorp
Classification: Likely benign for Developmental and epileptic encephalopathy, 1; Autosomal dominant nonsyndromic hearing loss 65. Last evaluated: 2025-04-14. Review status: criteria provided, single submitter. Criteria: Invitae Variant Classification Sherloc (09022015). Collection method: clinical testing. Allele origin: germline.

NM_001199107.2(TBC1D24):c.453C>T (p.Cys151=)

Gene: TBC1D24 (TBC1 domain family member 24; plus strand). Cytogenetic location: 16p13.3.
Variant type: single nucleotide variant.
Coding change: c.453C>T on transcript NM_001199107.2 (MANE Select); coding-DNA position 453, C replaced by T.
Protein change: p.Cys151=; no amino-acid change (cysteine 151 retained).
Molecular consequence: synonymous variant.
Genome position (GRCh38, 1-based): chr16:2,496,601, C>T. VCF-style: chr16-2496601-C-T. GRCh37 (hg19) VCF-style: chr16-2546602-C-T.
Other names: c.453C>T (NM_001199107.1); c.453C>T, p.Cys151= (NM_020705.3).
Identifiers: ClinVar variation 3748025 (VCV003748025.4).